The following is an entry in ClinVar:

ClinVar aggregate classification (germline): Uncertain significance (1 of 4 stars; one submission).

Conditions:
Developmental and epileptic encephalopathy, 31A. Also called: Developmental and epileptic encephalopathy, 31; Epileptic encephalopathy, early infantile, 31. Identifiers: Orphanet 2382, MedGen C4225357, MONDO:0014598, OMIM 616346.

gnomAD v4.1: 1 of 1,613,862 alleles (0.000062%); highest among the groups gnomAD compares: Non-Finnish European, 0.000085%; no homozygotes.

Submission:

Labcorp Genetics (formerly Invitae), Labcorp
Classification: Uncertain significance for Developmental and epileptic encephalopathy, 31A. Last evaluated: 2024-08-11. Review status: criteria provided, single submitter. Criteria: Invitae Variant Classification Sherloc (09022015). Collection method: clinical testing. Allele origin: germline.
Comment: This sequence change falls in intron 9 of the DNM1 gene. It does not directly change the encoded amino acid sequence of the DNM1 protein. It affects a nucleotide within the consensus splice site. This variant is not present in population databases (gnomAD no frequency). This variant has not been reported in the literature in individuals affected with DNM1-related conditions. Variants that disrupt the consensus splice site are a relatively common cause of aberrant splicing (PMID: 17576681, 9536098). Algorithms developed to predict the effect of sequence changes on RNA splicing suggest that this variant may disrupt the consensus splice site. In summary, the available evidence is currently insufficient to determine the role of this variant in disease. Therefore, it has been classified as a Variant of Uncertain Significance.

Literature cited by the submitters: PubMed 17576681; PubMed 9536098.

NM_004408.4(DNM1):c.1196+6T>A

Gene: DNM1 (dynamin 1; plus strand). Cytogenetic location: 9q34.11.
Variant type: single nucleotide variant.
Coding change: c.1196+6T>A on transcript NM_004408.4 (MANE Select); 6 bases into the intron after coding-DNA position 1196, T replaced by A.
Molecular consequence: intron variant.
Genome position (GRCh38, 1-based): chr9:128,222,866, T>A. VCF-style: chr9-128222866-T-A. GRCh37 (hg19) VCF-style: chr9-130985145-T-A.
Other names: c.1196+6T>A (NM_001005336.3, NM_001374269.1, NM_001288738.2 and 2 more transcripts).
Identifiers: ClinVar variation 3684916 (VCV003684916.2).